The following is an entry in ClinVar:

NM_005267.5(GJA8):c.269T>A (p.Leu90Gln)

Gene: GJA8 (gap junction protein alpha 8; plus strand). Cytogenetic location: 1q21.2.
Variant type: single nucleotide variant.
Coding change: c.269T>A on transcript NM_005267.5 (MANE Select); coding-DNA position 269, T replaced by A.
Protein change: p.Leu90Gln; replaces leucine 90 with glutamine.
Molecular consequence: missense variant.
Genome position (GRCh38, 1-based): chr1:147,908,224, T>A. VCF-style: chr1-147908224-T-A. GRCh37 (hg19) VCF-style: chr1-147380351-T-A.
Other names: short protein forms L90Q.
Identifiers: ClinVar variation 2127838 (VCV002127838.4), dbSNP rs1553242593, ClinGen allele CA342223763.
Genomic context (GRCh38, chr1:147,908,224, plus strand): 5'-TTCCCATCTCCCACATTCGCCTCTGGGTGCTGCAGATCATCTTCGTCTCCACCCCGTCCC[T>A]GATGTACGTGGGGCACGCGGTGCACTACGTCCGCATGGAGGAGAAGCGCAAAAGCCGCGA-3'
Protein context (NP_005258.2, residues 80-100): LQIIFVSTPS[Leu90Gln]MYVGHAVHYV

ClinVar aggregate classification (germline): Uncertain significance (1 of 4 stars; one submission).

Conditions:
Cataract 1 multiple types. Also called: CATARACT 1, POSTERIOR SUBCAPSULAR, WITH MICROCORNEA; CATARACT, DUFFY-LINKED; CATARACT 1, MULTIPLE TYPES, WITH OR WITHOUT MICROCORNEA; CATARACT 1, STELLATE NUCLEAR, WITH MICROCORNEA; CATARACT 1, NUCLEAR PROGRESSIVE; CATARACT 1 WITH MICROCORNEA. Identifiers: Orphanet 1377, MedGen C1861828, MONDO:0007285, OMIM 116200.

Submission:

Labcorp Genetics (formerly Invitae), Labcorp
Classification: Uncertain significance for Cataract 1 multiple types. Last evaluated: 2022-11-01. Review status: criteria provided, single submitter. Criteria: Invitae Variant Classification Sherloc (09022015). Collection method: clinical testing. Allele origin: germline.
Comment: In summary, the available evidence is currently insufficient to determine the role of this variant in disease. Therefore, it has been classified as a Variant of Uncertain Significance. Advanced modeling of protein sequence and biophysical properties (such as structural, functional, and spatial information, amino acid conservation, physicochemical variation, residue mobility, and thermodynamic stability) performed at Invitae indicates that this missense variant is expected to disrupt GJA8 protein function. This variant has not been reported in the literature in individuals affected with GJA8-related conditions. This variant is not present in population databases (gnomAD no frequency). This sequence change replaces leucine, which is neutral and non-polar, with glutamine, which is neutral and polar, at codon 90 of the GJA8 protein (p.Leu90Gln).